The following is an entry in ClinVar:

ClinVar aggregate classification (germline): Benign/Likely benign. Review status: criteria provided, multiple submitters, no conflicts (2 of 4 stars). 3 submissions from 3 submitters: Benign (1); Likely benign (1). 1 of the submissions does not count toward it. Last evaluated 2025-12-09.

Conditions:
CETP-related disorder. Also called: CETP-related condition.
Hyperalphalipoproteinemia 1 (HALP1). Also called: CETP-Related Hyperalphalipoproteinemia; CETP DEFICIENCY. Identifiers: MedGen C3149462, OMIM 143470.

Allele frequency attached by ClinVar (database versions not stated): ExAC 0.00015; gnomAD exomes 0.00017 and 0.00055; gnomAD 0.00022 and 0.00023; ESP Exome Variant Server 0.00023; TOPMed 0.00026.
gnomAD v4.1: 845 of 1,614,102 alleles (0.052%); highest among the groups gnomAD compares: Non-Finnish European, 0.067%; no homozygotes.

Submissions (3):

Labcorp Genetics (formerly Invitae), Labcorp
Classification: Likely benign. Last evaluated: 2025-12-09. Review status: criteria provided, single submitter. Criteria: Invitae Variant Classification Sherloc (09022015). Collection method: clinical testing. Allele origin: germline.

Illumina Laboratory Services, Illumina
Classification: Benign for Hyperalphalipoproteinemia 1. Last evaluated: 2018-01-12. Review status: criteria provided, single submitter. Criteria: ICSL Variant Classification Criteria 13 December 2019. Collection method: clinical testing. Allele origin: germline.
Comment: This variant was observed in the ICSL laboratory as part of a predisposition screen in an ostensibly healthy population. It had not been previously curated by ICSL or reported in the Human Gene Mutation Database (HGMD: prior to June 1st, 2018), and was therefore a candidate for classification through an automated scoring system. Utilizing variant allele frequency, disease prevalence and penetrance estimates, and inheritance mode, an automated score was calculated to assess if this variant is too frequent to cause the disease. Based on the score and internal cut-off values, a variant classified as benign is not then subjected to further curation. The score for this variant resulted in a classification of benign for this disease.

PreventionGenetics, part of Exact Sciences
Classification: Likely benign for CETP-related condition. Last evaluated: 2019-05-27. Review status: no assertion criteria provided. Collection method: clinical testing. Allele origin: germline. Not counted in ClinVar's aggregate classification.
Comment: This variant is classified as likely benign based on ACMG/AMP sequence variant interpretation guidelines (Richards et al. 2015 PMID: 25741868, with internal and published modifications).

NM_000078.3(CETP):c.1377C>T (p.Asp459=)

Gene: CETP (cholesteryl ester transfer protein; plus strand). Cytogenetic location: 16q13.
Variant type: single nucleotide variant.
Coding change: c.1377C>T on transcript NM_000078.3 (MANE Select); coding-DNA position 1377, C replaced by T.
Protein change: p.Asp459=; no amino-acid change (aspartic acid 459 retained).
Molecular consequence: synonymous variant.
Genome position (GRCh38, 1-based): chr16:56,983,381, C>T. VCF-style: chr16-56983381-C-T. GRCh37 (hg19) VCF-style: chr16-57017293-C-T.
Other names: c.1197C>T, p.Asp399= (NM_001286085.2).
Identifiers: ClinVar variation 319997 (VCV000319997.11), dbSNP rs144375086, ClinGen allele CA8071373.
Genomic context (GRCh38, chr16:56,983,381, plus strand): 5'-CCCAGGGCTCGAGGTAGTGTTTACAGCCCTCATGAACAGCAAAGGCGTGAGCCTCTTCGA[C>T]ATCATCAACCCTGAGATTATCACTCGAGATGTGAGTACAAAGCCCCCCTCACCAGCCCCT-3'
Protein context (NP_000069.2, residues 449-469): LMNSKGVSLF[Asp459=]IINPEIITRD